The following is an entry in ClinVar:

NM_005802.5(TOPORS):c.2225A>G (p.Gln742Arg)

Gene: TOPORS (TOP1 binding arginine/serine rich protein, E3 ubiquitin ligase; minus strand). Cytogenetic location: 9p21.1.
Variant type: single nucleotide variant.
Coding change: c.2225A>G on transcript NM_005802.5 (MANE Select); coding-DNA position 2225, A replaced by G.
Protein change: p.Gln742Arg; replaces glutamine 742 with arginine.
Molecular consequence: missense variant.
Genome position (GRCh38, 1-based): chr9:32,542,300, T>C on the plus strand (A>G on the coding strand, the complement: TOPORS is on the minus strand). VCF-style: chr9-32542300-T-C. GRCh37 (hg19) VCF-style: chr9-32542298-T-C.
Other names: c.2030A>G, p.Gln677Arg (NM_001195622.2); short protein forms Q677R, Q742R.
Identifiers: ClinVar variation 1045104 (VCV001045104.8), dbSNP rs777099059, ClinGen allele CA373165300.

ClinVar aggregate classification (germline): Uncertain significance (1 of 4 stars; one submission).

Allele frequency attached by ClinVar (database versions not stated): TOPMed below 0.00001; gnomAD 0.00001.
gnomAD v4.1: 2 of 1,614,076 alleles (0.00012%); highest among the groups gnomAD compares: African/African-American, 0.0027%; no homozygotes.

Submission:

Labcorp Genetics (formerly Invitae), Labcorp
Classification: Uncertain significance. Last evaluated: 2022-06-27. Review status: criteria provided, single submitter. Criteria: Invitae Variant Classification Sherloc (09022015). Collection method: clinical testing. Allele origin: germline.
Comment: Algorithms developed to predict the effect of missense changes on protein structure and function are either unavailable or do not agree on the potential impact of this missense change (SIFT: "Deleterious"; PolyPhen-2: "Not Available"; Align-GVGD: "Class C0"). ClinVar contains an entry for this variant (Variation ID: 1045104). This variant has not been reported in the literature in individuals affected with TOPORS-related conditions. This variant is present in population databases (no rsID available, gnomAD 0.007%). This sequence change replaces glutamine, which is neutral and polar, with arginine, which is basic and polar, at codon 742 of the TOPORS protein (p.Gln742Arg). In summary, the available evidence is currently insufficient to determine the role of this variant in disease. Therefore, it has been classified as a Variant of Uncertain Significance.